The following is an entry in ClinVar:

ClinVar aggregate classification (germline): Uncertain significance (1 of 4 stars; one submission).

Conditions:
Hereditary cancer-predisposing syndrome. Also called: Neoplastic Syndromes, Hereditary; Tumor predisposition; Hereditary neoplastic syndrome; Hereditary Cancer Syndrome. Identifiers: Orphanet 140162, MedGen C0027672, MeSH D009386, MONDO:0015356.

Submission:

Ambry Genetics
Classification: Uncertain significance for Hereditary cancer-predisposing syndrome. Last evaluated: 2026-07-02. Review status: criteria provided, single submitter. Criteria: Ambry Variant Classification Scheme 2023. Collection method: clinical testing. Allele origin: germline.
Comment: The p.V765L variant (also known as c.2293G>C), located in coding exon 15 of the BRIP1 gene, results from a G to C substitution at nucleotide position 2293. The valine at codon 765 is replaced by leucine, an amino acid with highly similar properties. This amino acid position is conserved. In addition, the in silico prediction for this alteration is inconclusive. Based on the available evidence, the clinical significance of this variant remains unclear.

NM_032043.3(BRIP1):c.2293G>C (p.Val765Leu)

Gene: BRIP1 (BRCA1 interacting DNA helicase 1; minus strand). Cytogenetic location: 17q23.2.
Variant type: single nucleotide variant.
Coding change: c.2293G>C on transcript NM_032043.3 (MANE Select); coding-DNA position 2293, G replaced by C.
Protein change: p.Val765Leu; replaces valine 765 with leucine.
Molecular consequence: missense variant.
Genome position (GRCh38, 1-based): chr17:61,743,099, C>G on the plus strand (G>C on the coding strand, the complement: BRIP1 is on the minus strand). VCF-style: chr17-61743099-C-G. GRCh37 (hg19) VCF-style: chr17-59820460-C-G.
Other names: short protein forms V765L.
Identifiers: ClinVar variation 5033394 (VCV005033394.1).